The following is an entry in ClinVar:

ClinVar aggregate classification (germline): Pathogenic (1 of 4 stars; one submission).

Submission:

Labcorp Genetics (formerly Invitae), Labcorp
Classification: Pathogenic. Last evaluated: 2023-02-04. Review status: criteria provided, single submitter. Criteria: Invitae Variant Classification Sherloc (09022015). Collection method: clinical testing. Allele origin: germline.
Comment: For these reasons, this variant has been classified as Pathogenic. This variant has not been reported in the literature in individuals affected with CDH23-related conditions. This variant is not present in population databases (gnomAD no frequency). This sequence change creates a premature translational stop signal (p.Tyr1318Ilefs*14) in the CDH23 gene. It is expected to result in an absent or disrupted protein product. Loss-of-function variants in CDH23 are known to be pathogenic (PMID: 11138009, 21940737).

Literature cited by the submitters: PubMed 11138009; PubMed 21940737.

NM_022124.6(CDH23):c.3950dup (p.Tyr1318fs)

Genes: C10orf105 (chromosome 10 open reading frame 105; minus strand), CDH23 (cadherin related 23; plus strand). Cytogenetic location: 10q22.1.
Variant type: Duplication.
Coding change: c.3950dup on transcript NM_022124.6 (MANE Select); coding-DNA position 3950, one base duplicated (C; older notation c.3950dupC).
Protein change: p.Tyr1318fs; shifts the reading frame from tyrosine 1318.
Molecular consequence: frameshift variant. On other transcripts: intron variant (1).
Genome position (GRCh38, 1-based): chr10:71,732,221, C duplicated. VCF-style (leftmost placement, unchanged base first): chr10-71732220-T-TC. GRCh37 (hg19) VCF-style: chr10-73491977-T-TC.
Other names: c.3950dup, p.Tyr1318fs (NM_001171930.2); c.-6+5507dup (NM_001168390.2); short protein forms Y1318fs.
Identifiers: ClinVar variation 2834492 (VCV002834492.3), dbSNP rs2494186407, ClinGen allele CA2739275735.
Genomic context (GRCh38, chr10:71,732,220, plus strand): 5'-TGCAGCGTCTACATCACTCTGCTCAACGAGCTGGACGAGGCCGTGCAGTTCTCCAATGCC[T>TC]CATACGAGGCTGCCATCCTGGAGAATCTGGCACTGGGTACTGAGATTGTGCGGGTCCAGG-3'